The following is an entry in ClinVar:

NM_003242.6(TGFBR2):c.1407T>C (p.Asp469=)

Gene: TGFBR2 (transforming growth factor beta receptor 2; plus strand). Cytogenetic location: 3p24.1.
Variant type: single nucleotide variant.
Coding change: c.1407T>C on transcript NM_003242.6 (MANE Select); coding-DNA position 1407, T replaced by C.
Protein change: p.Asp469=; no amino-acid change (aspartic acid 469 retained).
Molecular consequence: synonymous variant.
Genome position (GRCh38, 1-based): chr3:30,688,394, T>C. VCF-style: chr3-30688394-T-C. GRCh37 (hg19) VCF-style: chr3-30729886-T-C.
Other names: c.1482T>C, p.Asp494= (NM_001024847.3); c.1590T>C, p.Asp530= (NM_001407126.1); c.1515T>C, p.Asp505= (NM_001407127.1); c.1434T>C, p.Asp478= (NM_001407128.1); c.1410T>C, p.Asp470= (NM_001407129.1); c.1404T>C, p.Asp468= (NM_001407130.1); c.1302T>C, p.Asp434= (NM_001407132.1, NM_001407133.1, NM_001407134.1 and 2 more transcripts); c.1122T>C, p.Asp374= (NM_001407137.1); and 2 more.
Identifiers: ClinVar variation 919151 (VCV000919151.13), dbSNP rs573025864, ClinGen allele CA71543587.

ClinVar aggregate classification (germline): Likely benign. Review status: criteria provided, multiple submitters, no conflicts (2 of 4 stars). 4 submissions from 4 submitters: Likely benign (4). Last evaluated 2024-10-15.

Conditions:
Familial thoracic aortic aneurysm and aortic dissection (TAAD). Also called: Thoracic aortic aneurysms and dissections. Identifiers: Orphanet 91387, MedGen C4707243, MONDO:0019625.
Loeys-Dietz syndrome 2 (LDS2). Also called: Marfan syndrome, type 2 (formerly); AORTIC ANEURYSM, FAMILIAL THORACIC 3; MARFAN SYNDROME, TYPE II; Marfan Syndrome type 2; Marfan like connective tissue disorder; MFS 2. Identifiers: Orphanet 284973, Orphanet 558, MedGen C2674574, MONDO:0012427, OMIM 610168.

Allele frequency attached by ClinVar (database versions not stated): TOPMed below 0.00001; gnomAD 0.00001; gnomAD exomes 0.00002; 1000 Genomes Project 30x 0.00016; 1000 Genomes Project 0.00020.
gnomAD v4.1: 9 of 1,614,198 alleles (0.00056%); highest among the groups gnomAD compares: East Asian, 0.018%; no homozygotes.

Submissions (4):

Labcorp Genetics (formerly Invitae), Labcorp
Classification: Likely benign for Familial thoracic aortic aneurysm and aortic dissection. Last evaluated: 2024-10-15. Review status: criteria provided, single submitter. Criteria: Invitae Variant Classification Sherloc (09022015). Collection method: clinical testing. Allele origin: germline.

Blueprint Genetics
Classification: Likely benign. Last evaluated: 2024-03-07. Review status: criteria provided, single submitter. Criteria: ACMG Guidelines, 2015. Collection method: clinical testing. Allele origin: germline.

All of Us Research Program, National Institutes of Health
Classification: Likely benign for Loeys-Dietz syndrome 2. Last evaluated: 2022-11-28. Review status: criteria provided, single submitter. Criteria: ACMG Guidelines, 2015. Collection method: clinical testing. Allele origin: germline. Inheritance: Autosomal dominant inheritance. Observed: 1 variant allele, 1 heterozygote.
Comment: This study involves interpretation of variants in research participants for the purpose of population health screening. Participant phenotype was not available at the time of variant classification. Additional details can be found in publication PMID: 35346344, PMCID: PMC8962531

Color Diagnostics, LLC DBA Color Health
Classification: Likely benign for Familial thoracic aortic aneurysm and aortic dissection. Last evaluated: 2019-09-27. Review status: criteria provided, single submitter. Criteria: ACMG Guidelines, 2015. Collection method: clinical testing. Allele origin: germline.